The following is an entry in ClinVar:

ClinVar aggregate classification (germline): Likely benign. Review status: criteria provided, single submitter (1 of 4 stars). 2 submissions from 2 submitters: Likely benign (1). 1 of the submissions does not count toward it. Last evaluated 2025-04-21.

Conditions:
KATNB1-related disorder. Also called: KATNB1-related condition.

Allele frequency attached by ClinVar (database versions not stated): ExAC 0.00001; ESP Exome Variant Server 0.00015.
gnomAD v4.1: 81 of 1,613,734 alleles (0.005%); highest among the groups gnomAD compares: Non-Finnish European, 0.0067%; no homozygotes.

Submissions (2):

Labcorp Genetics (formerly Invitae), Labcorp
Classification: Likely benign. Last evaluated: 2025-04-21. Review status: criteria provided, single submitter. Criteria: Invitae Variant Classification Sherloc (09022015). Collection method: clinical testing. Allele origin: germline.

PreventionGenetics, part of Exact Sciences
Classification: Likely benign for KATNB1-related condition. Last evaluated: 2019-03-15. Review status: no assertion criteria provided. Collection method: clinical testing. Allele origin: germline. Not counted in ClinVar's aggregate classification.
Comment: This variant is classified as likely benign based on ACMG/AMP sequence variant interpretation guidelines (Richards et al. 2015 PMID: 25741868, with internal and published modifications).

NM_005886.3(KATNB1):c.391-6C>A

Gene: KATNB1 (katanin regulatory subunit B1; plus strand). Cytogenetic location: 16q21.
Variant type: single nucleotide variant.
Coding change: c.391-6C>A on transcript NM_005886.3 (MANE Select); 6 bases into the intron before coding-DNA position 391, C replaced by A.
Molecular consequence: intron variant.
Genome position (GRCh38, 1-based): chr16:57,751,255, C>A. VCF-style: chr16-57751255-C-A. GRCh37 (hg19) VCF-style: chr16-57785167-C-A.
Identifiers: ClinVar variation 3046954 (VCV003046954.3), dbSNP rs373652152, ClinGen allele CA8080734.
Genomic context (GRCh38, chr16:57,751,255, plus strand): 5'-CACCTTCCTCCAGTCGTGGCTCTGACCTCTCCTGACTCTGCCCCTCTGCTTCTCTCTCCC[C>A]CACAGCTCTGGGACATCAGGAGGAAAGGCTGTGTCTTCCGATACAGGGTAAGGATGCGCT-3'